The following is an entry in ClinVar:

ClinVar aggregate classification (germline): Benign/Likely benign. Review status: criteria provided, multiple submitters, no conflicts (2 of 4 stars). 15 submissions from 14 submitters: Benign (11); Likely benign (2). 2 of the submissions do not count toward it. Last evaluated 2026-02-04.

Conditions:
Cardiovascular phenotype. Identifiers: MedGen CN230736.
Hypercholesterolemia, autosomal dominant, type B (FHCL2). Also called: APOLIPOPROTEIN B-100, FAMILIAL DEFECTIVE; APOLIPOPROTEIN B-100, FAMILIAL LIGAND-DEFECTIVE; HYPERCHOLESTEROLEMIA, FAMILIAL, DUE TO LIGAND-DEFECTIVE APOLIPOPROTEIN B; Familial hypercholesterolemia 2; Familial Hypercholesterolemia Type B; APOB-Related Familial Hypercholesterolemia, Autosomal Dominant. Identifiers: MedGen C1704417, MONDO:0007751, OMIM 144010.
Familial hypobetalipoproteinemia 1. Also called: APOB-Related Familial Hypobetalipoproteinemia; Hypobetalipoproteinemia, normotriglyceridemic; Acanthocytosis with hypobetalipoproteinemia. Identifiers: MedGen C4551990, MONDO:0014252, OMIM 615558.
Familial hypercholesterolemia. Also called: Familial hypercholesterolaemia; Familial hypercholesterolemias. Identifiers: MedGen C0020445, MONDO:0005439.
Hypercholesterolemia, familial, 1. Also called: LDL RECEPTOR DISORDER; Hyperlipoproteinemia Type IIa; HYPER-LOW-DENSITY-LIPOPROTEINEMIA; HYPERCHOLESTEROLEMIC XANTHOMATOSIS, FAMILIAL; Fredrickson type IIa hyperlipoproteinemia; Hyperlipoproteinemia type 2. Identifiers: Orphanet 391665, MedGen C0745103, MONDO:0007750, OMIM 143890.

Allele frequency attached by ClinVar (database versions not stated): ESP Exome Variant Server 0.00092; gnomAD 0.00306 and 0.00400; gnomAD exomes 0.00354 and 0.00892; TOPMed 0.00578; ExAC 0.00814; 1000 Genomes Project 30x 0.01109; 1000 Genomes Project 0.01178.
gnomAD v4.1: 5,797 of 1,614,096 alleles (0.36%); highest among the groups gnomAD compares: East Asian, 7.2%; 138 homozygotes.

Submissions (15):

Labcorp Genetics (formerly Invitae), Labcorp
Classification: Benign for Familial hypobetalipoproteinemia 1; Hypercholesterolemia, autosomal dominant, type B. Last evaluated: 2026-02-04. Review status: criteria provided, single submitter. Criteria: Invitae Variant Classification Sherloc (09022015). Collection method: clinical testing. Allele origin: germline.

Molecular Diagnostic Laboratory for Inherited Cardiovascular Disease, Montreal Heart Institute
Classification: Likely benign. Last evaluated: 2025-04-08. Review status: criteria provided, single submitter. Criteria: ACMG Guidelines, 2015. Collection method: clinical testing. Allele origin: germline. Affected: no.

ARUP Laboratories, Molecular Genetics and Genomics, ARUP Laboratories
Classification: Benign. Last evaluated: 2024-04-22. Review status: criteria provided, single submitter. Criteria: ARUP Molecular Germline Variant Investigation Process 2024. Collection method: clinical testing. Allele origin: germline.

Quest Diagnostics Nichols Institute San Juan Capistrano
Classification: Benign. Last evaluated: 2023-07-20. Review status: criteria provided, single submitter. Criteria: Quest Diagnostics criteria. Collection method: clinical testing. Allele origin: unknown.

GENinCode PLC
Classification: Benign for Familial hypercholesterolemia. Last evaluated: 2022-11-03. Review status: criteria provided, single submitter. Criteria: ACMG Guidelines, 2015. Collection method: clinical testing. Allele origin: germline.

Mayo Clinic Laboratories, Mayo Clinic
Classification: Benign. Last evaluated: 2020-08-26. Review status: criteria provided, single submitter. Criteria: ACMG Guidelines, 2015. Collection method: clinical testing. Allele origin: germline. Observed: 7 variant alleles.

Robarts Research Institute, Western University
Classification: Benign for Hypercholesterolemia, familial, 1. Last evaluated: 2019-08-22. Review status: criteria provided, single submitter. Criteria: Wang et al. (Arterioscler Thromb Vasc Biol. 2016). Collection method: clinical testing. Allele origin: germline. Inheritance: Autosomal dominant inheritance. Affected: yes. Observed: 1 variant allele.

GeneDx
Classification: Benign. Last evaluated: 2018-08-13. Review status: criteria provided, single submitter. Criteria: GeneDx Variant Classification Process June 2021. Collection method: clinical testing. Allele origin: germline. Affected: yes.

Color Diagnostics, LLC DBA Color Health
Classification: Benign for Familial hypercholesterolemias. Last evaluated: 2018-03-07. Review status: criteria provided, single submitter. Criteria: ACMG Guidelines, 2015. Collection method: clinical testing. Allele origin: germline.

Illumina Laboratory Services, Illumina
Classification: Likely benign for Familial hypobetalipoproteinemia 1. Last evaluated: 2018-01-13. Review status: criteria provided, single submitter. Criteria: ICSL Variant Classification Criteria 13 December 2019. Collection method: clinical testing. Allele origin: germline.
Comment: This variant was observed in the ICSL laboratory as part of a predisposition screen in an ostensibly healthy population. It had not been previously curated by ICSL or reported in the Human Gene Mutation Database (HGMD: prior to June 1st, 2018), and was therefore a candidate for classification through an automated scoring system. Utilizing variant allele frequency, disease prevalence and penetrance estimates, and inheritance mode, an automated score was calculated to assess if this variant is too frequent to cause the disease. Based on the score and internal cut-off values, a variant classified as likely benign is not then subjected to further curation. The score for this variant resulted in a classification of likely benign for this disease.

Illumina Laboratory Services, Illumina
Classification: Benign for Hypercholesterolemia, autosomal dominant, type B. Last evaluated: 2018-01-13. Review status: criteria provided, single submitter. Criteria: ICSL Variant Classification Criteria 13 December 2019. Collection method: clinical testing. Allele origin: germline.
Comment: This variant was observed in the ICSL laboratory as part of a predisposition screen in an ostensibly healthy population. It had not been previously curated by ICSL or reported in the Human Gene Mutation Database (HGMD: prior to June 1st, 2018), and was therefore a candidate for classification through an automated scoring system. Utilizing variant allele frequency, disease prevalence and penetrance estimates, and inheritance mode, an automated score was calculated to assess if this variant is too frequent to cause the disease. Based on the score and internal cut-off values, a variant classified as benign is not then subjected to further curation. The score for this variant resulted in a classification of benign for this disease.

Ambry Genetics
Classification: Benign for Cardiovascular phenotype. Last evaluated: 2016-07-15. Review status: criteria provided, single submitter. Criteria: Ambry Variant Classification Scheme 2023. Collection method: clinical testing. Allele origin: germline.

Genomic Diagnostic Laboratory, Division of Genomic Diagnostics, Children's Hospital of Philadelphia
Classification: Benign for Familial hypercholesterolemia. Last evaluated: 2015-05-05. Review status: criteria provided, single submitter. Criteria: DGD Variant Analysis Guidelines. Collection method: clinical testing. Allele origin: unknown.

Clinical Genetics, Academic Medical Center
Classification: Benign. Review status: no assertion criteria provided. Collection method: clinical testing. Allele origin: germline. Affected: yes. Study: VKGL Data-share Consensus. Not counted in ClinVar's aggregate classification.

Diagnostic Laboratory, Department of Genetics, University Medical Center Groningen
Classification: Benign. Review status: no assertion criteria provided. Collection method: clinical testing. Allele origin: germline. Affected: yes. Study: VKGL Data-share Consensus. Not counted in ClinVar's aggregate classification.

Literature cited by the submitters: PubMed 29036232 (cited by Quest Diagnostics Nichols Institute San Juan Capistrano).

NM_000384.3(APOB):c.8353A>C (p.Asn2785His)

Gene: APOB (apolipoprotein B; minus strand). Cytogenetic location: 2p24.1.
Variant type: single nucleotide variant.
Coding change: c.8353A>C on transcript NM_000384.3 (MANE Select); coding-DNA position 8353, A replaced by C.
Protein change: p.Asn2785His; replaces asparagine 2785 with histidine.
Molecular consequence: missense variant.
Genome position (GRCh38, 1-based): chr2:21,008,515, T>G on the plus strand (A>C on the coding strand, the complement: APOB is on the minus strand). VCF-style: chr2-21008515-T-G. GRCh37 (hg19) VCF-style: chr2-21231387-T-G.
Other names: p.Asn2785His; short protein forms N2785H.
Identifiers: ClinVar variation 218450 (VCV000218450.41), dbSNP rs2163204, ClinGen allele CA065570.